The following is an entry in ClinVar:

ClinVar aggregate classification (germline): Uncertain significance. Review status: reviewed by expert panel (3 of 4 stars). 2 submissions from 2 submitters: Uncertain significance (1). 1 of the submissions does not count toward it. Last evaluated 2025-07-14.

Conditions:
Inborn genetic diseases. Identifiers: MedGen C0950123, MeSH D030342.
Hereditary thrombocytopenia and hematologic cancer predisposition syndrome. Identifiers: Orphanet 71290, MedGen CN281654, MONDO:0011071.

Submissions (2):

ClinGen Myeloid Malignancy Variant Curation Expert Panel
Classification: Uncertain significance for Hereditary thrombocytopenia and hematologic cancer predisposition syndrome. Last evaluated: 2025-07-14. Review status: reviewed by expert panel. Criteria: ClinGen MyeloMalig ACMG Specifications v2. Collection method: curation. Allele origin: germline. Inheritance: Autosomal dominant inheritance.
Comment: NM_001754.5(RUNX1):c.86G>C (p.Arg29Thr) is a missense variant which has a REVEL score < 0.50 (0.285), and a SpliceAI score ≤ 0.20 (0.11) (BP4). This variant is completely absent from all population databases with at least 20x coverage for RUNX1 (PM2_Supporting). In summary, the clinical significance of this variant is uncertain. ACMG/AMP criteria applied, as specified by the Myeloid Malignancy Variant Curation Expert Panel for RUNX1: BP4, PM2_supporting.

Ambry Genetics
Classification: Uncertain significance for Inborn genetic diseases. Last evaluated: 2025-01-25. Review status: criteria provided, single submitter. Criteria: Ambry Variant Classification Scheme 2023. Collection method: clinical testing. Allele origin: germline. Not counted in ClinVar's aggregate classification.
Comment: The p.R29T variant (also known as c.86G>C), located in coding exon 2 of the RUNX1 gene, results from a G to C substitution at nucleotide position 86. The arginine at codon 29 is replaced by threonine, an amino acid with similar properties. This amino acid position is conserved. In addition, the in silico prediction for this alteration is inconclusive. Based on the available evidence, the clinical significance of this variant remains unclear.

NM_001754.5(RUNX1):c.86G>C (p.Arg29Thr)

Gene: RUNX1 (RUNX family transcription factor 1; minus strand). Cytogenetic location: 21q22.12.
Variant type: single nucleotide variant.
Coding change: c.86G>C on transcript NM_001754.5 (MANE Select); coding-DNA position 86, G replaced by C.
Protein change: p.Arg29Thr; replaces arginine 29 with threonine.
Molecular consequence: missense variant.
Genome position (GRCh38, 1-based): chr21:34,892,936, C>G on the plus strand (G>C on the coding strand, the complement: RUNX1 is on the minus strand). VCF-style: chr21-34892936-C-G. GRCh37 (hg19) VCF-style: chr21-36265233-C-G.
Other names: NM_001754.5(RUNX1):c.86G>C; p.Arg29Thr; short protein forms R29T.
Identifiers: ClinVar variation 3791487 (VCV003791487.1).